The following is an entry in ClinVar:

ClinVar aggregate classification (germline): Likely benign. Review status: reviewed by expert panel (3 of 4 stars). 11 submissions from 11 submitters: Likely benign (1). 10 of the submissions do not count toward it. Last evaluated 2017-06-29.

Conditions:
Breast and/or ovarian cancer. Identifiers: MedGen CN221562.
BRCA2-related disorder. Also called: BRCA2-related condition; BRCA2-related disorders. Identifiers: MedGen CN239275.
Hereditary cancer-predisposing syndrome. Also called: Tumor predisposition; Hereditary Cancer Syndrome; Hereditary neoplastic syndrome; Neoplastic Syndromes, Hereditary. Identifiers: Orphanet 140162, MedGen C0027672, MeSH D009386, MONDO:0015356.
Hereditary breast ovarian cancer syndrome. Also called: Breast and ovarian cancer; Hereditary breast and ovarian cancer syndrome; Hereditary breast and ovarian cancer; BRCA1- and BRCA2-Associated Hereditary Breast and Ovarian Cancer; Hereditary breast and ovarian cancer syndrome (HBOC); Hereditary breast and/or ovarian cancer syndrome. Identifiers: Orphanet 145, MedGen C0677776, MeSH D061325, MONDO:0003582. Disease mechanism: loss of function.
Breast-ovarian cancer, familial, susceptibility to, 2 (BROVCA2). Also called: BRCA2 Hereditary Breast and Ovarian Cancer. Identifiers: Orphanet 145, MedGen C2675520, MONDO:0012933, OMIM 612555. Disease mechanism: loss of function.

Allele frequency attached by ClinVar (database versions not stated): gnomAD exomes 0.00001; ExAC 0.00002; TOPMed 0.00002.
gnomAD v4.1: 39 of 1,595,152 alleles (0.0024%); highest among the groups gnomAD compares: Non-Finnish European, 0.0031%; no homozygotes.

Submissions (11):

Evidence-based Network for the Interpretation of Germline Mutant Alleles (ENIGMA)
Classification: Likely benign for Breast-ovarian cancer, familial, susceptibility to, 2. Last evaluated: 2017-06-29. Review status: reviewed by expert panel. Criteria: ENIGMA BRCA1/2 Classification Criteria (2017-06-29). Collection method: curation. Allele origin: germline.
Comment: Synonymous substitution variant, with low bioinformatic likelihood to result in a splicing aberration (Splicing prior probability 0.02).

Labcorp Genetics (formerly Invitae), Labcorp
Classification: Likely benign for Hereditary breast ovarian cancer syndrome. Last evaluated: 2026-02-03. Review status: criteria provided, single submitter. Criteria: Invitae Variant Classification Sherloc (09022015). Collection method: clinical testing. Allele origin: germline. Not counted in ClinVar's aggregate classification.

Mayo Clinic Laboratories, Mayo Clinic
Classification: Likely benign. Last evaluated: 2024-12-13. Review status: criteria provided, single submitter. Criteria: ACMG Guidelines, 2015. Collection method: clinical testing. Allele origin: germline. Observed: 1 variant allele. Not counted in ClinVar's aggregate classification.
Comment: BP1_strong

All of Us Research Program, National Institutes of Health
Classification: Likely benign for Breast-ovarian cancer, familial, susceptibility to, 2. Last evaluated: 2023-10-02. Review status: criteria provided, single submitter. Criteria: ACMG Guidelines, 2015. Collection method: clinical testing. Allele origin: germline. Inheritance: Autosomal dominant inheritance. Observed: 4 variant alleles, 4 heterozygotes. Not counted in ClinVar's aggregate classification.
Comment: This study involves interpretation of variants in research participants for the purpose of population health screening. Participant phenotype was not available at the time of variant classification. Additional details can be found in publication PMID: 35346344, PMCID: PMC8962531

Women's Health and Genetics/Laboratory Corporation of America, LabCorp
Classification: Likely benign. Last evaluated: 2019-08-21. Review status: criteria provided, single submitter. Criteria: LabCorp Variant Classification Summary - May 2015. Collection method: clinical testing. Allele origin: germline. Not counted in ClinVar's aggregate classification.

CHEO Genetics Diagnostic Laboratory, Children's Hospital of Eastern Ontario
Classification: Likely benign for Breast and/or ovarian cancer. Last evaluated: 2019-07-19. Review status: criteria provided, single submitter. Criteria: ACMG Guidelines, 2015. Collection method: clinical testing. Allele origin: germline. Not counted in ClinVar's aggregate classification.

GeneDx
Classification: Likely benign. Last evaluated: 2017-08-11. Review status: criteria provided, single submitter. Criteria: GeneDx Variant Classification (06012015). Collection method: clinical testing. Allele origin: germline. Affected: yes. Not counted in ClinVar's aggregate classification.
Comment: This variant is considered likely benign or benign based on one or more of the following criteria: it is a conservative change, it occurs at a poorly conserved position in the protein, it is predicted to be benign by multiple in silico algorithms, and/or has population frequency not consistent with disease.

Color Diagnostics, LLC DBA Color Health
Classification: Likely benign for Hereditary cancer-predisposing syndrome. Last evaluated: 2016-06-22. Review status: criteria provided, single submitter. Criteria: ACMG Guidelines, 2015. Collection method: clinical testing. Allele origin: germline. Not counted in ClinVar's aggregate classification.

Ambry Genetics
Classification: Likely benign for Hereditary cancer-predisposing syndrome. Last evaluated: 2014-07-24. Review status: criteria provided, single submitter. Criteria: Ambry Variant Classification Scheme 2023. Collection method: clinical testing. Allele origin: germline. Not counted in ClinVar's aggregate classification.

PreventionGenetics, part of Exact Sciences
Classification: Likely benign for BRCA2-related condition. Last evaluated: 2022-01-18. Review status: no assertion criteria provided. Collection method: clinical testing. Allele origin: germline. Not counted in ClinVar's aggregate classification.
Comment: This variant is classified as likely benign based on ACMG/AMP sequence variant interpretation guidelines (Richards et al. 2015 PMID: 25741868, with internal and published modifications).

Counsyl
Classification: Likely benign for Breast-ovarian cancer, familial, susceptibility to, 2. Last evaluated: 2016-10-11. Review status: no assertion criteria provided. Collection method: clinical testing. Allele origin: unknown. Not counted in ClinVar's aggregate classification.

NM_000059.4(BRCA2):c.4242G>T (p.Thr1414=)

Gene: BRCA2 (BRCA2 DNA repair associated; plus strand). Cytogenetic location: 13q13.1.
Variant type: single nucleotide variant.
Coding change: c.4242G>T on transcript NM_000059.4 (MANE Select); coding-DNA position 4242, G replaced by T.
Protein change: p.Thr1414=; no amino-acid change (threonine 1414 retained).
Molecular consequence: synonymous variant.
Genome position (GRCh38, 1-based): chr13:32,338,597, G>T. VCF-style: chr13-32338597-G-T. GRCh37 (hg19) VCF-style: chr13-32912734-G-T.
Other names: p.Thr1414=.
Identifiers: ClinVar variation 184218 (VCV000184218.27), dbSNP rs750495335, ClinGen allele CA019766.